The following is an entry in ClinVar:

NM_000059.4(BRCA2):c.5546G>C (p.Gly1849Ala)

Gene: BRCA2 (BRCA2 DNA repair associated; plus strand). Cytogenetic location: 13q13.1.
Variant type: single nucleotide variant.
Coding change: c.5546G>C on transcript NM_000059.4 (MANE Select); coding-DNA position 5546, G replaced by C.
Protein change: p.Gly1849Ala; replaces glycine 1849 with alanine.
Molecular consequence: missense variant.
Genome position (GRCh38, 1-based): chr13:32,339,901, G>C. VCF-style: chr13-32339901-G-C. GRCh37 (hg19) VCF-style: chr13-32914038-G-C.
Other names: short protein forms G1849A.
Identifiers: ClinVar variation 628080 (VCV000628080.7), dbSNP rs764527357, ClinGen allele CA387785947.

ClinVar aggregate classification (germline): Conflicting classifications of pathogenicity. Review status: criteria provided, conflicting classifications (1 of 4 stars). 2 submissions from 2 submitters: Uncertain significance (1); Likely benign (1). Last evaluated 2023-12-05.

Conditions:
Hereditary cancer-predisposing syndrome. Also called: Neoplastic Syndromes, Hereditary; Tumor predisposition; Hereditary neoplastic syndrome; Hereditary Cancer Syndrome. Identifiers: Orphanet 140162, MedGen C0027672, MeSH D009386, MONDO:0015356.

Submissions (2):

Color Diagnostics, LLC DBA Color Health
Classification: Uncertain significance for Hereditary cancer-predisposing syndrome. Last evaluated: 2023-12-05. Review status: criteria provided, single submitter. Criteria: ACMG Guidelines, 2015. Collection method: clinical testing. Allele origin: germline.
Comment: This missense variant replaces glycine with alanine at codon 1849 of the BRCA2 protein. Computational prediction is inconclusive regarding the impact of this variant on protein structure and function (internally defined REVEL score threshold 0.5 < inconclusive < 0.7, PMID: 27666373). To our knowledge, functional studies have not been reported for this variant. This variant has not been reported in individuals affected with BRCA2-related disorders in the literature. This variant has not been identified in the general population by the Genome Aggregation Database (gnomAD). The available evidence is insufficient to determine the role of this variant in disease conclusively. Therefore, this variant is classified as a Variant of Uncertain Significance.

University of Washington Department of Laboratory Medicine, University of Washington
Classification: Likely benign for Hereditary cancer-predisposing syndrome. Last evaluated: 2023-03-23. Review status: criteria provided, single submitter. Criteria: Dines et al. (Genet Med. 2020). Collection method: curation. Allele origin: germline.
Comment: Missense variant in a coldspot region where missense variants are very unlikely to be pathogenic (PMID:31911673).

BRCA2 exon 11 coldspot. Reclassification based on statistical prior probability.